The following is an entry in ClinVar:

ClinVar aggregate classification (germline): Uncertain significance (1 of 4 stars; one submission).

Allele frequency attached by ClinVar (database versions not stated): gnomAD 0.00001 and 0.00002; ExAC 0.00002; gnomAD exomes 0.00003 and 0.00008; TOPMed 0.00004; ESP Exome Variant Server 0.00008.
gnomAD v4.1: 124 of 1,613,864 alleles (0.0077%); highest among the groups gnomAD compares: Middle Eastern, 0.016%; no homozygotes.

Submission:

Labcorp Genetics (formerly Invitae), Labcorp
Classification: Uncertain significance. Last evaluated: 2025-12-28. Review status: criteria provided, single submitter. Criteria: Invitae Variant Classification Sherloc (09022015). Collection method: clinical testing. Allele origin: germline.
Comment: This sequence change replaces glycine, which is neutral and non-polar, with alanine, which is neutral and non-polar, at codon 441 of the TFRC protein (p.Gly441Ala). This variant is present in population databases (rs372685302, gnomAD 0.006%). This variant has not been reported in the literature in individuals affected with TFRC-related conditions. ClinVar contains an entry for this variant (Variation ID: 1434947). Invitae Evidence Modeling of protein sequence and biophysical properties (such as structural, functional, and spatial information, amino acid conservation, physicochemical variation, residue mobility, and thermodynamic stability) indicates that this missense variant is expected to disrupt TFRC protein function with a positive predictive value of 80%. In summary, the available evidence is currently insufficient to determine the role of this variant in disease. Therefore, it has been classified as a Variant of Uncertain Significance.

NM_001128148.3(TFRC):c.1322G>C (p.Gly441Ala)

Gene: TFRC (transferrin receptor; minus strand). Cytogenetic location: 3q29.
Variant type: single nucleotide variant.
Coding change: c.1322G>C on transcript NM_001128148.3 (MANE Select); coding-DNA position 1322, G replaced by C.
Protein change: p.Gly441Ala; replaces glycine 441 with alanine.
Molecular consequence: missense variant.
Genome position (GRCh38, 1-based): chr3:196,062,936, C>G on the plus strand (G>C on the coding strand, the complement: TFRC is on the minus strand). VCF-style: chr3-196062936-C-G. GRCh37 (hg19) VCF-style: chr3-195789807-C-G.
Other names: c.1079G>C, p.Gly360Ala (NM_001313965.2); c.476G>C, p.Gly159Ala (NM_001313966.2); c.1322G>C, p.Gly441Ala (NM_003234.4); short protein forms G360A, G441A, G159A.
Identifiers: ClinVar variation 1434947 (VCV001434947.6), dbSNP rs372685302, ClinGen allele CA2777953.